The following is an entry in ClinVar:

NM_001365951.3(KIF1B):c.4681A>T (p.Ser1561Cys)

Gene: KIF1B (kinesin family member 1B; plus strand). Cytogenetic location: 1p36.22.
Variant type: single nucleotide variant.
Coding change: c.4681A>T on transcript NM_001365951.3 (MANE Select); coding-DNA position 4681, A replaced by T.
Protein change: p.Ser1561Cys; replaces serine 1561 with cysteine.
Molecular consequence: missense variant.
Genome position (GRCh38, 1-based): chr1:10,365,577, A>T. VCF-style: chr1-10365577-A-T. GRCh37 (hg19) VCF-style: chr1-10425635-A-T.
Other names: c.4681A>T, p.Ser1561Cys (NM_001365952.1); c.4543A>T, p.Ser1515Cys (NM_015074.3); short protein forms S1515C, S1561C.
Identifiers: ClinVar variation 3864056 (VCV003864056.1).

ClinVar aggregate classification (germline): Uncertain significance (1 of 4 stars; one submission).

Submission:

Ambry Genetics
Classification: Uncertain significance. Last evaluated: 2024-12-29. Review status: criteria provided, single submitter. Criteria: Ambry Variant Classification Scheme 2023. Collection method: clinical testing. Allele origin: germline.
Comment: The p.S1515C variant (also known as c.4543A>T), located in coding exon 40 of the KIF1B gene, results from an A to T substitution at nucleotide position 4543. The serine at codon 1515 is replaced by cysteine, an amino acid with dissimilar properties. This amino acid position is conserved. In addition, the in silico prediction for this alteration is inconclusive. Based on the available evidence, the clinical significance of this variant remains unclear.